The following is an entry in ClinVar:

ClinVar aggregate classification (germline): Uncertain significance (1 of 4 stars; one submission).

Submission:

Labcorp Genetics (formerly Invitae), Labcorp
Classification: Uncertain significance. Last evaluated: 2022-09-21. Review status: criteria provided, single submitter. Criteria: Invitae Variant Classification Sherloc (09022015). Collection method: clinical testing. Allele origin: germline.
Comment: In summary, the available evidence is currently insufficient to determine the role of this variant in disease. Therefore, it has been classified as a Variant of Uncertain Significance. Algorithms developed to predict the effect of missense changes on protein structure and function (SIFT, PolyPhen-2, Align-GVGD) all suggest that this variant is likely to be disruptive. This variant has not been reported in the literature in individuals affected with LRP5-related conditions. This variant is not present in population databases (gnomAD no frequency). This sequence change replaces histidine, which is basic and polar, with arginine, which is basic and polar, at codon 374 of the LRP5 protein (p.His374Arg).

NM_002335.4(LRP5):c.1121A>G (p.His374Arg)

Gene: LRP5 (LDL receptor related protein 5; plus strand). Cytogenetic location: 11q13.2.
Variant type: single nucleotide variant.
Coding change: c.1121A>G on transcript NM_002335.4 (MANE Select); coding-DNA position 1121, A replaced by G.
Protein change: p.His374Arg; replaces histidine 374 with arginine.
Molecular consequence: missense variant. On other transcripts: 5 prime UTR variant (1).
Genome position (GRCh38, 1-based): chr11:68,386,421, A>G. VCF-style: chr11-68386421-A-G. GRCh37 (hg19) VCF-style: chr11-68153889-A-G.
Other names: c.-645A>G (NM_001291902.2); short protein forms H374R.
Identifiers: ClinVar variation 1722076 (VCV001722076.5), dbSNP rs2496597999, ClinGen allele CA381612276.